The following is an entry in ClinVar:

ClinVar aggregate classification (germline): Pathogenic. Review status: reviewed by expert panel (3 of 4 stars). 2 submissions from 2 submitters: Pathogenic (1). 1 of the submissions does not count toward it. Last evaluated 2016-10-18.

Conditions:
Breast-ovarian cancer, familial, susceptibility to, 1 (BROVCA1). Also called: BRCA1 Hereditary Breast and Ovarian Cancer; OVARIAN CANCER, SUSCEPTIBILITY TO. Identifiers: Orphanet 145, MedGen C2676676, MONDO:0011450, OMIM 604370. Disease mechanism: loss of function.

Submissions (2):

Evidence-based Network for the Interpretation of Germline Mutant Alleles (ENIGMA)
Classification: Pathogenic for Breast-ovarian cancer, familial, susceptibility to, 1. Last evaluated: 2016-10-18. Review status: reviewed by expert panel. Criteria: ENIGMA BRCA1/2 Classification Criteria (2015). Collection method: curation. Allele origin: germline.
Comment: Variant allele predicted to encode a truncated non-functional protein.

Consortium of Investigators of Modifiers of BRCA1/2 (CIMBA), c/o University of Cambridge
Classification: Pathogenic for Breast-ovarian cancer, familial, susceptibility to, 1. Last evaluated: 2015-10-02. Review status: criteria provided, single submitter. Criteria: CIMBA Mutation Classification guidelines May 2016. Collection method: clinical testing. Allele origin: germline. Not counted in ClinVar's aggregate classification.

NM_007294.4(BRCA1):c.1887_1900dup (p.Pro634delinsGlnIleTer)

Gene: BRCA1 (BRCA1 DNA repair associated; minus strand). Cytogenetic location: 17q21.31.
Variant type: Duplication.
Coding change: c.1887_1900dup on transcript NM_007294.4 (MANE Select); coding-DNA positions 1887 to 1900, 14 bases duplicated (AAATCTAAGCCCAC).
Protein change: p.Pro634delinsGlnIleTer.
Molecular consequence: nonsense. On other transcripts: intron variant (137).
Genome position (GRCh38, 1-based): chr17:43,093,631-43,093,644, GTGGGCTTAGATTT duplicated on the plus strand (AAATCTAAGCCCAC on the coding strand, the reverse complement: BRCA1 is on the minus strand). VCF-style (leftmost placement, unchanged base first): chr17-43093630-G-GGTGGGCTTAGATTT. GRCh37 (hg19) VCF-style: chr17-41245647-G-GGTGGGCTTAGATTT.
Other names: 2020ins14; c.1506_1519dup, p.Pro507delinsGlnIleTer (NM_001407963.1, NM_001407959.1, NM_001407960.1); c.1743_1756dup, p.Pro586delinsGlnIleTer (NM_001407964.1, NM_001407740.1, NM_001407741.1 and 20 more transcripts); c.1383_1396dup, p.Pro466delinsGlnIleTer (NM_001407965.1); c.999_1012dup, p.Pro338delinsGlnIleTer (NM_001407966.1, NM_001407967.1); c.1746_1759dup, p.Pro587delinsGlnIleTer (NM_007297.4, NM_001407692.1, NM_001407694.1 and 29 more transcripts); c.1887_1900dup, p.Pro634delinsGlnIleTer (NM_007300.4, NM_001407581.1, NM_001407582.1 and 30 more transcripts); c.646+1100_646+1113dup (NM_001408458.1, NM_001408469.1, NM_001408453.1 and 11 more transcripts); and 41 more.
Identifiers: ClinVar variation 266197 (VCV000266197.7), dbSNP rs886039977, ClinGen allele CA10589912.